The following is an entry in ClinVar:

NM_053025.4(MYLK):c.964C>A (p.Leu322Met)

Gene: MYLK (myosin light chain kinase; minus strand). Cytogenetic location: 3q21.1.
Variant type: single nucleotide variant.
Coding change: c.964C>A on transcript NM_053025.4 (MANE Select); coding-DNA position 964, C replaced by A.
Protein change: p.Leu322Met; replaces leucine 322 with methionine.
Molecular consequence: missense variant.
Genome position (GRCh38, 1-based): chr3:123,734,032, G>T on the plus strand (C>A on the coding strand, the complement: MYLK is on the minus strand). VCF-style: chr3-123734032-G-T. GRCh37 (hg19) VCF-style: chr3-123452879-G-T.
Other names: c.436C>A, p.Leu146Met (NM_001321309.2); c.964C>A, p.Leu322Met (NM_053026.4, NM_053027.4, NM_053028.4); short protein forms L322M, L146M.
Identifiers: ClinVar variation 2898100 (VCV002898100.3), dbSNP rs770445862, ClinGen allele CA073776.
Genomic context (GRCh38, chr3:123,734,032, plus strand): 5'-AAGTCTTCTGAAGGACCGGGGTCTGCGGGGCCGTTCTGGGCGAGTCCTTGCATGACTCCA[G>T]CTTGGACTCCCTTGGGGGCTGAGGCTGGCTGTTTGCAGCCCAGGGTGGGGAGCCACCTCT-3'
Protein context (NP_444253.3, residues 312-332): SQPQPPRESK[Leu322Met]ESCKDSPRTA

ClinVar aggregate classification (germline): Uncertain significance (1 of 4 stars; one submission).

Conditions:
Aortic aneurysm, familial thoracic 7 (AAT7). Also called: AORTIC DISSECTION, FAMILIAL, WITH OR WITHOUT AORTIC ANEURYSM. Identifiers: MedGen C3151077, MONDO:0013418, OMIM 613780.

Allele frequency attached by ClinVar (database versions not stated): gnomAD 0.00001; gnomAD exomes 0.00002; ExAC 0.00005.
gnomAD v4.1: 36 of 1,614,102 alleles (0.0022%); highest among the groups gnomAD compares: South Asian, 0.038%; 1 homozygote.

Submission:

Labcorp Genetics (formerly Invitae), Labcorp
Classification: Uncertain significance for Aortic aneurysm, familial thoracic 7. Last evaluated: 2025-05-05. Review status: criteria provided, single submitter. Criteria: Invitae Variant Classification Sherloc (09022015). Collection method: clinical testing. Allele origin: germline.
Comment: This sequence change replaces leucine, which is neutral and non-polar, with methionine, which is neutral and non-polar, at codon 322 of the MYLK protein (p.Leu322Met). This variant is present in population databases (rs770445862, gnomAD 0.03%). This variant has not been reported in the literature in individuals affected with MYLK-related conditions. ClinVar contains an entry for this variant (Variation ID: 2898100). Invitae Evidence Modeling of protein sequence and biophysical properties (such as structural, functional, and spatial information, amino acid conservation, physicochemical variation, residue mobility, and thermodynamic stability) indicates that this missense variant is not expected to disrupt MYLK protein function with a negative predictive value of 95%. In summary, the available evidence is currently insufficient to determine the role of this variant in disease. Therefore, it has been classified as a Variant of Uncertain Significance.